The following is an entry in ClinVar:

NM_177438.3(DICER1):c.145-20T>C

Gene: DICER1 (dicer 1, ribonuclease III; minus strand). Cytogenetic location: 14q32.13.
Variant type: single nucleotide variant.
Coding change: c.145-20T>C on transcript NM_177438.3 (MANE Select); 20 bases into the intron before coding-DNA position 145, T replaced by C.
Molecular consequence: intron variant.
Genome position (GRCh38, 1-based): chr14:95,132,697, A>G on the plus strand (T>C on the coding strand, the complement: DICER1 is on the minus strand). VCF-style: chr14-95132697-A-G. GRCh37 (hg19) VCF-style: chr14-95599034-A-G.
Other names: c.145-20T>C (NM_001291628.2, NM_030621.4, NM_001271282.3 and 1 more transcripts).
Identifiers: ClinVar variation 1659385 (VCV001659385.10), dbSNP rs769080068, ClinGen allele CA7331725.
Genomic context (GRCh38, chr14:95,132,697, plus strand): 5'-ACGATGGTATTATGATCCAGAGCTGCTTCAAGCAGTTCAACCTAGAAACATGGTGAAAAA[A>G]AAGTTATGCACTTCTTACCTAAGTACAAAATTTATAAAATTGGATTTTATTTTAAATCAG-3'

ClinVar aggregate classification (germline): Likely benign. Review status: criteria provided, multiple submitters, no conflicts (2 of 4 stars). 2 submissions from 2 submitters: Likely benign (2). Last evaluated 2026-04-10.

Conditions:
DICER1-related tumor predisposition. Also called: DICER1-related pleuropulmonary blastoma cancer predisposition syndrome; DICER1 syndrome. Identifiers: Orphanet 284343, MedGen C3839822, MONDO:0100216.

Allele frequency attached by ClinVar (database versions not stated): ExAC 0.00001; gnomAD 0.00001; gnomAD exomes 0.00001.
gnomAD v4.1: 6 of 1,612,436 alleles (0.00037%); highest among the groups gnomAD compares: Admixed American, 0.0017%; no homozygotes.

Submissions (2):

Myriad Genetics, Inc.
Classification: Likely benign for DICER1-related tumor predisposition. Last evaluated: 2026-04-10. Review status: criteria provided, single submitter. Criteria: Myriad Autosomal Dominant, Autosomal Recessive and X-Linked Classification Criteria (2023). Collection method: clinical testing. Allele origin: unknown.
Comment: This variant is considered likely benign. This variant is intronic and is not expected to impact mRNA splicing.

Labcorp Genetics (formerly Invitae), Labcorp
Classification: Likely benign for DICER1-related tumor predisposition. Last evaluated: 2024-10-07. Review status: criteria provided, single submitter. Criteria: Invitae Variant Classification Sherloc (09022015). Collection method: clinical testing. Allele origin: germline.